The following is an entry in ClinVar:

NM_006642.5(SDCCAG8):c.45dup (p.Gln16fs)

Gene: SDCCAG8 (SHH signaling and ciliogenesis regulator SDCCAG8; plus strand). Cytogenetic location: 1q43.
Variant type: Duplication.
Coding change: c.45dup on transcript NM_006642.5 (MANE Select); coding-DNA position 45, one base duplicated (G; older notation c.45dupG).
Protein change: p.Gln16fs; shifts the reading frame from glutamine 16.
Molecular consequence: frameshift variant. On other transcripts: 5 prime UTR variant (4).
Genome position (GRCh38, 1-based): chr1:243,256,218, G duplicated; the last of 4 consecutive G bases (chr1:243,256,215-243,256,218); duplicating any one gives the same sequence. VCF-style (leftmost placement, unchanged base first): chr1-243256214-T-TG. GRCh37 (hg19) VCF-style: chr1-243419516-T-TG.
Other names: c.45dupG (NM_006642.3); c.-1068dup (NM_001350246.2); c.-956dup (NM_001350247.2); c.45dup, p.Gln16fs (NM_001350248.2); c.-263dup (NM_001350249.2); c.-1329dup (NM_001350251.2); short protein forms Q16fs.
Identifiers: ClinVar variation 3582348 (VCV003582348.2).

ClinVar aggregate classification (germline): Conflicting classifications of pathogenicity. Review status: criteria provided, conflicting classifications (1 of 4 stars). 2 submissions from 2 submitters: Likely pathogenic (1); Uncertain significance (1). Last evaluated 2024-12-03.

Conditions:
Senior-Loken syndrome 7 (SLSN7). Identifiers: Orphanet 3156, MedGen C3150877, MONDO:0013326, OMIM 613615.
Bardet-Biedl syndrome 16 (BBS16). Identifiers: Orphanet 110, MedGen C3889474, MONDO:0014444, OMIM 615993.
SDCCAG8-related disorder. Also called: SDCCAG8-Related Disorders; SDCCAG8-related condition.

Submissions (2):

PreventionGenetics, part of Exact Sciences
Classification: Uncertain significance for SDCCAG8-related condition. Last evaluated: 2024-12-03. Review status: criteria provided, single submitter. Criteria: ACMG Guidelines, 2015. Collection method: clinical testing. Allele origin: germline.
Comment: The SDCCAG8 c.45dupG variant is predicted to result in a frameshift and premature protein termination (p.Gln16Alafs*38). To our knowledge, this variant has not been reported in the literature or in a large population database (gnomAD), indicating this variant is rare. This variant occurs within exon 1 and other nonsense and frameshift variants in SDCCAG8 are typically reported downstream (Schaefer et al. 2010. PubMed ID: 22190896). Although we suspect that this variant may be pathogenic, at this time, the clinical significance of this variant is uncertain due to the absence of conclusive functional and genetic evidence.

Fulgent Genetics
Classification: Likely pathogenic for Senior-Loken syndrome 7; Bardet-Biedl syndrome 16. Last evaluated: 2024-05-21. Review status: criteria provided, single submitter. Criteria: ACMG Guidelines, 2015. Collection method: clinical testing. Allele origin: germline.